The following is an entry in ClinVar:

ClinVar aggregate classification (germline): Benign. Review status: criteria provided, multiple submitters, no conflicts (2 of 4 stars). 5 submissions from 5 submitters: Benign (5). Last evaluated 2026-01-19.

Conditions:
Renal hypomagnesemia 2 (HOMG2). Also called: MAGNESIUM LOSS, ISOLATED RENAL. Identifiers: Orphanet 34528, MedGen C1835171, MONDO:0007937, OMIM 154020.

Allele frequency attached by ClinVar (database versions not stated): 1000 Genomes Project 30x 0.00437; 1000 Genomes Project 0.00479; gnomAD 0.01109 and 0.01144; gnomAD exomes 0.01137 and 0.01560; TOPMed 0.01159; ESP Exome Variant Server 0.01293; ExAC 0.01453.
gnomAD v4.1: 24,528 of 1,610,372 alleles (1.5%); highest among the groups gnomAD compares: Middle Eastern, 2.3%; 222 homozygotes.

Submissions (5):

Labcorp Genetics (formerly Invitae), Labcorp
Classification: Benign. Last evaluated: 2026-01-19. Review status: criteria provided, single submitter. Criteria: Invitae Variant Classification Sherloc (09022015). Collection method: clinical testing. Allele origin: germline.

Mayo Clinic Laboratories, Mayo Clinic
Classification: Benign. Last evaluated: 2024-06-03. Review status: criteria provided, single submitter. Criteria: ACMG Guidelines, 2015. Collection method: clinical testing. Allele origin: germline. Observed: 5 variant alleles.
Comment: BS1, BS2, BP4, BP7

GeneDx
Classification: Benign. Last evaluated: 2021-06-03. Review status: criteria provided, single submitter. Criteria: GeneDx Variant Classification Process June 2021. Collection method: clinical testing. Allele origin: germline. Affected: yes.

Illumina Laboratory Services, Illumina
Classification: Benign for Renal hypomagnesemia 2. Last evaluated: 2018-01-12. Review status: criteria provided, single submitter. Criteria: ICSL Variant Classification Criteria 13 December 2019. Collection method: clinical testing. Allele origin: germline.
Comment: This variant was observed in the ICSL laboratory as part of a predisposition screen in an ostensibly healthy population. It had not been previously curated by ICSL or reported in the Human Gene Mutation Database (HGMD: prior to June 1st, 2018), and was therefore a candidate for classification through an automated scoring system. Utilizing variant allele frequency, disease prevalence and penetrance estimates, and inheritance mode, an automated score was calculated to assess if this variant is too frequent to cause the disease. Based on the score and internal cut-off values, a variant classified as benign is not then subjected to further curation. The score for this variant resulted in a classification of benign for this disease.

Breakthrough Genomics
Classification: Benign. Review status: criteria provided, single submitter. Criteria: ACMG Guidelines, 2015. Collection method: not provided. Allele origin: germline. Inheritance: Autosomal dominant inheritance. Affected: yes.

NM_001680.5(FXYD2):c.45C>T (p.Asp15=)

Genes: FXYD6-FXYD2 (FXYD6-FXYD2 readthrough; minus strand), FXYD2 (FXYD domain containing ion transport regulator 2; minus strand). Cytogenetic location: 11q23.3.
Variant type: single nucleotide variant.
Coding change: c.45C>T on transcript NM_001680.5 (MANE Select); coding-DNA position 45, C replaced by T.
Protein change: p.Asp15=; no amino-acid change (aspartic acid 15 retained).
Molecular consequence: synonymous variant. On other transcripts: missense variant (1).
Genome position (GRCh38, 1-based): chr11:117,822,698, G>A on the plus strand (C>T on the coding strand, the complement: FXYD2 is on the minus strand). VCF-style: chr11-117822698-G-A. GRCh37 (hg19) VCF-style: chr11-117693413-G-A.
Other names: p.Asp13=; c.279C>T, p.Asp93= (NM_001204268.3); c.292C>T, p.Arg98Cys (NM_001243598.4); c.39C>T, p.Asp13= (NM_021603.4); short protein forms R98C.
Identifiers: ClinVar variation 302525 (VCV000302525.16), dbSNP rs35705701, ClinGen allele CA6297860.